The following is an entry in ClinVar:

ClinVar aggregate classification (germline): Likely benign (1 of 4 stars; one submission).

Submission:

Women's Health and Genetics/Laboratory Corporation of America, LabCorp
Classification: Likely benign. Last evaluated: 2025-12-24. Review status: criteria provided, single submitter. Criteria: LabCorp Variant Classification Summary - May 2015. Collection method: clinical testing. Allele origin: germline.
Comment: Variant summary: WNK1 c.2373+20_2373+21delTT alters a nucleotide located at a position not widely known to affect splicing. Consensus agreement among computation tools predict no significant impact on normal splicing. However, these predictions have yet to be confirmed by functional studies. The frequency data for this variant in gnomAD is considered unreliable, as metrics indicate poor data quality at this position. To our knowledge, no occurrence of c.2373+20_2373+21delTT in individuals affected with WNK1-related conditions and no experimental evidence demonstrating its impact on protein function have been reported. No submitters have cited clinical-significance assessments for this variant to ClinVar. Based on the evidence outlined above, the variant was classified as likely benign.

NM_018979.4(WNK1):c.2373+20_2373+21del

Gene: WNK1 (WNK lysine deficient protein kinase 1; plus strand). Cytogenetic location: 12p13.33.
Variant type: Deletion.
Coding change: c.2373+20_2373+21del on transcript NM_018979.4 (MANE Select); bases 20 to 21 of the intron after coding-DNA position 2373, 2 bases deleted (TT; older notation c.2373+20_2373+21delTT).
Molecular consequence: intron variant.
Genome position (GRCh38, 1-based): chr12:878,381-878,382, TT deleted; deleting any 2 consecutive bases within chr12:878,368-878,382 gives the same sequence; the c. name uses the placement nearest the transcript's 3' end. VCF-style (leftmost placement, unchanged base first): chr12-878367-CTT-C. GRCh37 (hg19) VCF-style: chr12-987533-CTT-C.
Other names: c.3867+20_3867+21del (NM_213655.5); c.3612+20_3612+21del (NM_001184985.2); c.2370+20_2370+21del (NM_014823.3); c.2373+20_2373+21delTT (NM_018979.4).
Identifiers: ClinVar variation 4688852 (VCV004688852.1).
Genomic context (GRCh38, chr12:878,367, plus strand): 5'-AGTGAGTCAGCCTCAAGCTCCACAAGTCTTGCCTCAAGTATCAGCTGGAAAACAGGTAAA[CTT>C]TTTTTTTTTTTTTAAACAGGTAAACTCTTAATTTCTGAAAGGGTGCTAAAAGGGATTTCC-3'